The following is an entry in ClinVar:

NM_020751.3(COG6):c.1692+3A>G

Gene: COG6 (component of oligomeric golgi complex 6; plus strand). Cytogenetic location: 13q14.11.
Variant type: single nucleotide variant.
Coding change: c.1692+3A>G on transcript NM_020751.3 (MANE Select); 3 bases into the intron after coding-DNA position 1692, A replaced by G.
Molecular consequence: intron variant.
Genome position (GRCh38, 1-based): chr13:39,723,443, A>G. VCF-style: chr13-39723443-A-G. GRCh37 (hg19) VCF-style: chr13-40297580-A-G.
Other names: c.1692+3A>G (NM_001145079.2).
Identifiers: ClinVar variation 3036557 (VCV003036557.2), dbSNP rs370628182, ClinGen allele CA6958730.

ClinVar aggregate classification (germline): Likely benign (0 of 4 stars; one submission).

Conditions:
COG6-related disorder.

Allele frequency attached by ClinVar (database versions not stated): TOPMed below 0.00001; gnomAD exomes 0.00001; ExAC 0.00003; ESP Exome Variant Server 0.00008.
gnomAD v4.1: 14 of 1,490,200 alleles (0.00094%); highest among the groups gnomAD compares: Non-Finnish European, 0.0012%; no homozygotes.

Submission:

PreventionGenetics, part of Exact Sciences
Classification: Likely benign for COG6-related condition. Last evaluated: 2020-08-03. Review status: no assertion criteria provided. Collection method: clinical testing. Allele origin: germline.
Comment: This variant is classified as likely benign based on ACMG/AMP sequence variant interpretation guidelines (Richards et al. 2015 PMID: 25741868, with internal and published modifications).